The following is an entry in ClinVar:

NM_005716.4(GIPC1):c.677C>T (p.Ala226Val)

Gene: GIPC1 (GIPC PDZ domain containing family member 1; minus strand). Cytogenetic location: 19p13.12.
Variant type: single nucleotide variant.
Coding change: c.677C>T on transcript NM_005716.4 (MANE Select); coding-DNA position 677, C replaced by T.
Protein change: p.Ala226Val; replaces alanine 226 with valine.
Molecular consequence: missense variant.
Genome position (GRCh38, 1-based): chr19:14,479,503, G>A on the plus strand (C>T on the coding strand, the complement: GIPC1 is on the minus strand). VCF-style: chr19-14479503-G-A. GRCh37 (hg19) VCF-style: chr19-14590315-G-A.
Other names: NC_000019.9:g.14590315G>A; c.677C>T, p.Ala226Val (NM_202468.3, NM_202470.3); c.386C>T, p.Ala129Val (NM_202469.3, NM_202494.3); short protein forms A129V, A226V.
Identifiers: ClinVar variation 782966 (VCV000782966.29), dbSNP rs147583484, ClinGen allele CA9254051.

ClinVar aggregate classification (germline): Benign/Likely benign. Review status: criteria provided, multiple submitters, no conflicts (2 of 4 stars). 3 submissions from 3 submitters: Benign (2); Likely benign (1). Last evaluated 2026-01-01.

Allele frequency attached by ClinVar (database versions not stated): 1000 Genomes Project 30x 0.00187; 1000 Genomes Project 0.00200; TOPMed 0.00271; ESP Exome Variant Server 0.00303; gnomAD 0.00388 and 0.00408; gnomAD exomes 0.00456; ExAC 0.00735.

Submissions (4):

CeGaT Center for Human Genetics Tuebingen
Classification: Likely benign. Last evaluated: 2026-01-01. Review status: criteria provided, single submitter. Criteria: CeGaT Center For Human Genetics Tuebingen Variant Classification Criteria Version 2. Collection method: clinical testing. Allele origin: germline. Affected: yes. Observed: 2 variant alleles.
Comment: GIPC1: BP4, BS2

Labcorp Genetics (formerly Invitae), Labcorp
Classification: Benign. Last evaluated: 2017-12-13. Review status: criteria provided, single submitter. Criteria: Invitae Variant Classification Sherloc (09022015). Collection method: clinical testing. Allele origin: germline.

Breakthrough Genomics
Classification: Benign. Review status: criteria provided, single submitter. Criteria: ACMG Guidelines, 2015. Collection method: not provided. Allele origin: germline. Inheritance: Autosomal dominant inheritance. Affected: yes.

Dr. Peter K. Rogan Lab, Western University
No classification provided (evidence only). Condition: Malignant tumor of urinary bladder. Review status: no classification provided. Collection method: in vitro. Allele origin: not applicable. Functional consequence: retained intron. Not counted in ClinVar's aggregate classification.